The following is an entry in ClinVar:

ClinVar aggregate classification (germline): Uncertain significance (1 of 4 stars; one submission).

Conditions:
Autosomal dominant nocturnal frontal lobe epilepsy 5. Also called: KCNT1-Related Epilepsy; CILIARY DYSKINESIA, PRIMARY, 28, WITHOUT SITUS INVERSUS; CILIARY DYSKINESIA, PRIMARY, 28, WITH SITUS INVERSUS; Epilepsy, nocturnal frontal lobe, 5. Identifiers: Orphanet 98784, MedGen C3554306, MONDO:0014002, OMIM 615005.
Developmental and epileptic encephalopathy, 14 (DEE14). Also called: Early infantile epileptic encephalopathy 14. Identifiers: Orphanet 293181, MedGen C3554195, MONDO:0013989, OMIM 614959.

Allele frequency attached by ClinVar (database versions not stated): gnomAD 0.00001; gnomAD exomes 0.00001 and 0.00002; TOPMed 0.00001; ExAC 0.00002.
gnomAD v4.1: 22 of 1,613,202 alleles (0.0014%); highest among the groups gnomAD compares: East Asian, 0.0022%; no homozygotes.

Submission:

Labcorp Genetics (formerly Invitae), Labcorp
Classification: Uncertain significance for Autosomal dominant nocturnal frontal lobe epilepsy 5; Developmental and epileptic encephalopathy, 14. Last evaluated: 2024-02-17. Review status: criteria provided, single submitter. Criteria: Invitae Variant Classification Sherloc (09022015). Collection method: clinical testing. Allele origin: germline.
Comment: This sequence change replaces valine, which is neutral and non-polar, with methionine, which is neutral and non-polar, at codon 183 of the KCNT1 protein (p.Val183Met). This variant is present in population databases (rs751729308, gnomAD 0.005%). This variant has not been reported in the literature in individuals affected with KCNT1-related conditions. ClinVar contains an entry for this variant (Variation ID: 1007885). Advanced modeling of protein sequence and biophysical properties (such as structural, functional, and spatial information, amino acid conservation, physicochemical variation, residue mobility, and thermodynamic stability) has been performed at Invitae for this missense variant, however the output from this modeling did not meet the statistical confidence thresholds required to predict the impact of this variant on KCNT1 protein function. In summary, the available evidence is currently insufficient to determine the role of this variant in disease. Therefore, it has been classified as a Variant of Uncertain Significance.

NM_020822.3(KCNT1):c.547G>A (p.Val183Met)

Gene: KCNT1 (potassium sodium-activated channel subfamily T member 1; plus strand). Cytogenetic location: 9q34.3.
Variant type: single nucleotide variant.
Coding change: c.547G>A on transcript NM_020822.3 (MANE Select); coding-DNA position 547, G replaced by A.
Protein change: p.Val183Met; replaces valine 183 with methionine.
Molecular consequence: missense variant.
Genome position (GRCh38, 1-based): chr9:135,756,879, G>A. VCF-style: chr9-135756879-G-A. GRCh37 (hg19) VCF-style: chr9-138648725-G-A.
Other names: c.403G>A, p.Val135Met (NM_001272003.2); short protein forms V135M, V183M.
Identifiers: ClinVar variation 1007885 (VCV001007885.9), dbSNP rs751729308, ClinGen allele CA5326515.
Genomic context (GRCh38, chr9:135,756,879, plus strand): 5'-CCCCAGCCCCAGCCCCGGCCTGCTCCAGAGCTCCTTCCCTTTCCTGACTCCCAGGTCATC[G>A]TGGCCATAATAAGCTTCCTGGAGACGATGCTTCTCATCTACCTCAGCTACAAAGTGAGTG-3'
Protein context (NP_065873.2, residues 173-193): KMTLWAIQVI[Val183Met]AIISFLETML